The following is an entry in ClinVar:

ClinVar aggregate classification (germline): Pathogenic (1 of 4 stars; one submission).

Conditions:
Cenani-Lenz syndactyly syndrome. Also called: CENANI SYNDACTYLISM; SYNDACTYLY, TYPE VII. Identifiers: Orphanet 3258, MedGen C1859309, MONDO:0008931, OMIM 212780.
Sclerosteosis 2 (SOST2). Identifiers: Orphanet 3152, MedGen C3280402, MONDO:0013679, OMIM 614305.
Congenital myasthenic syndrome 17. Identifiers: Orphanet 590, MedGen C4225377, MONDO:0014578, OMIM 616304.

gnomAD v4.1: 3 of 1,614,142 alleles (0.00019%); highest among the groups gnomAD compares: Non-Finnish European, 0.00025%; no homozygotes.

Submission:

Labcorp Genetics (formerly Invitae), Labcorp
Classification: Pathogenic for Cenani-Lenz syndactyly syndrome; Sclerosteosis 2; Congenital myasthenic syndrome 17. Last evaluated: 2024-06-05. Review status: criteria provided, single submitter. Criteria: Invitae Variant Classification Sherloc (09022015). Collection method: clinical testing. Allele origin: germline.
Comment: This sequence change creates a premature translational stop signal (p.Gln1300*) in the LRP4 gene. It is expected to result in an absent or disrupted protein product. Loss-of-function variants in LRP4 are known to be pathogenic (PMID: 23636941, 24924585). This variant is not present in population databases (gnomAD no frequency). This variant has not been reported in the literature in individuals affected with LRP4-related conditions. For these reasons, this variant has been classified as Pathogenic.

Literature cited by the submitters: PubMed 23636941; PubMed 24924585.

NM_002334.4(LRP4):c.3898C>T (p.Gln1300Ter)

Gene: LRP4 (LDL receptor related protein 4; minus strand). Cytogenetic location: 11p11.2.
Variant type: single nucleotide variant.
Coding change: c.3898C>T on transcript NM_002334.4 (MANE Select); coding-DNA position 3898, C replaced by T.
Protein change: p.Gln1300Ter; replaces glutamine 1300 with a stop codon.
Molecular consequence: nonsense.
Genome position (GRCh38, 1-based): chr11:46,875,483, G>A on the plus strand (C>T on the coding strand, the complement: LRP4 is on the minus strand). VCF-style: chr11-46875483-G-A. GRCh37 (hg19) VCF-style: chr11-46897034-G-A.
Other names: short protein forms Q1300*.
Identifiers: ClinVar variation 3756686 (VCV003756686.2).